The following is an entry in ClinVar:

NM_001114753.3(ENG):c.730C>A (p.Pro244Thr)

Gene: ENG (endoglin; minus strand). Cytogenetic location: 9q34.11.
Variant type: single nucleotide variant.
Coding change: c.730C>A on transcript NM_001114753.3 (MANE Select); coding-DNA position 730, C replaced by A.
Protein change: p.Pro244Thr; replaces proline 244 with threonine.
Molecular consequence: missense variant.
Genome position (GRCh38, 1-based): chr9:127,825,317, G>T on the plus strand (C>A on the coding strand, the complement: ENG is on the minus strand). VCF-style: chr9-127825317-G-T. GRCh37 (hg19) VCF-style: chr9-130587596-G-T.
Other names: c.730C>A, p.Pro244Thr (NM_001406715.1, NM_000118.4); c.184C>A, p.Pro62Thr (NM_001278138.2); short protein forms P244T, P62T.
Identifiers: ClinVar variation 4870411 (VCV004870411.1).

ClinVar aggregate classification (germline): Uncertain significance (1 of 4 stars; one submission).

Conditions:
Cardiovascular phenotype. Identifiers: MedGen CN230736.

gnomAD v4.1: 1 of 1,611,362 alleles (0.000062%); highest among the groups gnomAD compares: Non-Finnish European, 0.000085%; no homozygotes.

Submission:

Ambry Genetics
Classification: Uncertain significance for Cardiovascular phenotype. Last evaluated: 2026-06-12. Review status: criteria provided, single submitter. Criteria: Ambry Variant Classification Scheme 2023. Collection method: clinical testing. Allele origin: germline.
Comment: The p.P244T variant (also known as c.730C>A), located in coding exon 6 of the ENG gene, results from a C to A substitution at nucleotide position 730. The proline at codon 244 is replaced by threonine, an amino acid with highly similar properties. This amino acid position is conserved. In addition, this alteration is predicted to be tolerated by in silico analysis. Based on the available evidence, the clinical significance of this variant remains unclear.